The following is an entry in ClinVar:

NM_001849.4(COL6A2):c.2462-2358G>C

Gene: COL6A2 (collagen type VI alpha 2 chain; plus strand). Cytogenetic location: 21q22.3.
Variant type: single nucleotide variant.
Coding change: c.2462-2358G>C on transcript NM_001849.4 (MANE Select); 2358 bases into the intron before coding-DNA position 2462, G replaced by C.
Molecular consequence: intron variant. On other transcripts: 3 prime UTR variant (2).
Genome position (GRCh38, 1-based): chr21:46,129,596, G>C. VCF-style: chr21-46129596-G-C. GRCh37 (hg19) VCF-style: chr21-47549510-G-C.
Other names: c.*105G>C (NM_058174.3); c.*668G>C (NM_058175.3).
Identifiers: ClinVar variation 681646 (VCV000681646.2), dbSNP rs7717, ClinGen allele CA14875507.

ClinVar aggregate classification (germline): Benign. Review status: criteria provided, multiple submitters, no conflicts (2 of 4 stars). 2 submissions from 2 submitters: Benign (2). Last evaluated 2018-06-16.

Allele frequency attached by ClinVar (database versions not stated): gnomAD 0.12590; TOPMed 0.13398; 1000 Genomes Project 30x 0.16505; 1000 Genomes Project 0.16693.
gnomAD v4.1: 205,140 of 1,436,870 alleles (14%); highest among the groups gnomAD compares: East Asian, 41%; 16,840 homozygotes.

Submissions (2):

GeneDx
Classification: Benign. Last evaluated: 2018-06-16. Review status: criteria provided, single submitter. Criteria: GeneDx Variant Classification (06012015). Collection method: clinical testing. Allele origin: germline. Affected: yes.
Comment: This variant is considered likely benign or benign based on one or more of the following criteria: it is a conservative change, it occurs at a poorly conserved position in the protein, it is predicted to be benign by multiple in silico algorithms, and/or has population frequency not consistent with disease.

Breakthrough Genomics
Classification: Benign. Review status: criteria provided, single submitter. Criteria: ACMG Guidelines, 2015. Collection method: not provided. Allele origin: germline. Inheritance: Autosomal recessive inheritance. Affected: yes.